The following is an entry in ClinVar:

ClinVar aggregate classification (germline): Uncertain significance (1 of 4 stars; one submission).

Submission:

Women's Health and Genetics/Laboratory Corporation of America, LabCorp
Classification: Uncertain significance. Last evaluated: 2025-03-27. Review status: criteria provided, single submitter. Criteria: LabCorp Variant Classification Summary - May 2015. Collection method: clinical testing. Allele origin: germline.
Comment: Variant summary: The variant involves the duplication of exons 1-4 in the SEPSECS gene. A presumed nomenclature of c.(?_-81)_(547+1_548-1)dup has been designated for the purposes of this classification. It is assumed to be a tandem duplication in direct orientation (PMIDs: 25640679, 30054569). The exact breakpoint at the 5' end of this variant is unknown, therefore this duplication may extend upstream of the annotated region of this gene. It is predicted to duplicate a segment including the initiation codon, therefore its impact on the encoded protein is unknown. A large duplication that includes exons 1-4 of the SEPSECS gene was found at a frequency of 1.1e-05 in 462872 control chromosomes in the gnomAD database (CNVs v4.1 dataset). The available data on variant occurrences in the general population are insufficient to allow any conclusion about variant significance. To our knowledge, no occurrence of c.(?_-81)_(547+1_548-1)dup in individuals affected with Pontocerebellar Hypoplasia, Type 2D and no experimental evidence demonstrating its impact on protein function have been reported. No submitters have cited clinical-significance assessments for this variant to ClinVar. Based on the evidence outlined above, the variant was classified as uncertain significance.

NC_000004.11:g.(25156774_25157658)_(25162072_?)dup

Gene: SEPSECS (Sep (O-phosphoserine) tRNA:Sec (selenocysteine) tRNA synthase; minus strand). Cytogenetic location: 4p15.2.
Variant type: Duplication.
Identifiers: ClinVar variation 3895894 (VCV003895894.1).